The following is an entry in ClinVar:

ClinVar aggregate classification (germline): Uncertain significance. Review status: criteria provided, multiple submitters, no conflicts (2 of 4 stars). 3 submissions from 3 submitters: Uncertain significance (3). Last evaluated 2025-10-23.

Conditions:
Inborn genetic diseases. Identifiers: MedGen C0950123, MeSH D030342.
Neuronopathy, distal hereditary motor, autosomal recessive 4. Also called: Autosomal recessive lower motor neuron disease with childhood onset; NEUROPATHY, DISTAL HEREDITARY MOTOR, AUTOSOMAL RECESSIVE 4. Identifiers: Orphanet 206580, MedGen C1970211, MONDO:0012608, OMIM 611067.
Charcot-Marie-Tooth disease recessive intermediate C. Also called: CHARCOT-MARIE-TOOTH NEUROPATHY, RECESSIVE INTERMEDIATE C. Identifiers: Orphanet 369867, MedGen C3809309, MONDO:0014154, OMIM 615376.

Allele frequency attached by ClinVar (database versions not stated): gnomAD 0.00004 and 0.00006; TOPMed 0.00004.
gnomAD v4.1: 88 of 1,613,958 alleles (0.0055%); highest among the groups gnomAD compares: East Asian, 0.17%; no homozygotes.

Submissions (3):

Ambry Genetics
Classification: Uncertain significance for Inborn genetic diseases. Last evaluated: 2025-10-23. Review status: criteria provided, single submitter. Criteria: Ambry Variant Classification Scheme 2023. Collection method: clinical testing. Allele origin: germline.

Women's Health and Genetics/Laboratory Corporation of America, LabCorp
Classification: Uncertain significance. Last evaluated: 2024-10-14. Review status: criteria provided, single submitter. Criteria: LabCorp Variant Classification Summary - May 2015. Collection method: clinical testing. Allele origin: germline.
Comment: Variant summary: PLEKHG5 c.100G>A (p.Ala34Thr), also known as c.307G>A (p.Ala103Thr) results in a non-conservative amino acid change in the encoded protein sequence. Three of four in-silico tools predict a benign effect of the variant on protein function. The variant allele was found at a frequency of 6.8e-05 in 250620 control chromosomes. This frequency is not significantly higher than estimated for a pathogenic variant in PLEKHG5 causing Distal Spinal Muscular Atrophy, Autosomal Recessive 4 (6.8e-05 vs 0.0011), allowing no conclusion about variant significance. c.100G>A has been reported in the literature in individuals affected with Familial Amyotrophic Lateral Sclerosis (Nishiyam_2017). These report(s) do not provide unequivocal conclusions about association of the variant with Distal Spinal Muscular Atrophy, Autosomal Recessive 4. To our knowledge, no experimental evidence demonstrating an impact on protein function has been reported. The following publication have been ascertained in the context of this evaluation (PMID: 28160950). ClinVar contains an entry for this variant (Variation ID: 1014541). Based on the evidence outlined above, the variant was classified as uncertain significance.

Labcorp Genetics (formerly Invitae), Labcorp
Classification: Uncertain significance for Neuronopathy, distal hereditary motor, autosomal recessive 4; Charcot-Marie-Tooth disease recessive intermediate C. Last evaluated: 2022-10-25. Review status: criteria provided, single submitter. Criteria: Invitae Variant Classification Sherloc (09022015). Collection method: clinical testing. Allele origin: germline.
Comment: This sequence change replaces alanine, which is neutral and non-polar, with threonine, which is neutral and polar, at codon 34 of the PLEKHG5 protein (p.Ala34Thr). This variant is present in population databases (rs760113279, gnomAD 0.1%). This missense change has been observed in individual(s) with familial amyotrophic lateral sclerosis (PMID: 28160950). This variant is also known as c.307G>A (p.A103T). ClinVar contains an entry for this variant (Variation ID: 1014541). Algorithms developed to predict the effect of missense changes on protein structure and function (SIFT, PolyPhen-2, Align-GVGD) all suggest that this variant is likely to be tolerated. In summary, the available evidence is currently insufficient to determine the role of this variant in disease. Therefore, it has been classified as a Variant of Uncertain Significance.

Literature cited by the submitters: PubMed 28160950 (cited by Women's Health and Genetics/Laboratory Corporation of America, LabCorp and Labcorp Genetics (formerly Invitae), Labcorp).

NM_020631.6(PLEKHG5):c.100G>A (p.Ala34Thr)

Gene: PLEKHG5 (pleckstrin homology and RhoGEF domain containing G5; minus strand). Cytogenetic location: 1p36.31.
Variant type: single nucleotide variant.
Coding change: c.100G>A on transcript NM_020631.6 (MANE Select); coding-DNA position 100, G replaced by A.
Protein change: p.Ala34Thr; replaces alanine 34 with threonine.
Molecular consequence: missense variant.
Genome position (GRCh38, 1-based): chr1:6,475,980, C>T on the plus strand (G>A on the coding strand, the complement: PLEKHG5 is on the minus strand). VCF-style: chr1-6475980-C-T. GRCh37 (hg19) VCF-style: chr1-6536040-C-T.
Other names: c.211G>A, p.Ala71Thr (NM_001042663.3, NM_001265592.2); c.100G>A, p.Ala34Thr (NM_001042664.2, NM_001042665.2, NM_001265594.3 and 1 more transcripts); c.307G>A, p.Ala103Thr (NM_001265593.2); short protein forms A103T, A34T, A71T.
Identifiers: ClinVar variation 1014541 (VCV001014541.10), dbSNP rs760113279, ClinGen allele CA561989.